The following is an entry in ClinVar:

ClinVar aggregate classification (germline): Uncertain significance. Review status: criteria provided, multiple submitters, no conflicts (2 of 4 stars). 2 submissions from 2 submitters: Uncertain significance (2). Last evaluated 2023-10-12.

Conditions:
Hereditary cancer-predisposing syndrome. Also called: Hereditary Cancer Syndrome; Neoplastic Syndromes, Hereditary; Tumor predisposition; Hereditary neoplastic syndrome. Identifiers: Orphanet 140162, MedGen C0027672, MeSH D009386, MONDO:0015356.
Cardiovascular phenotype. Identifiers: MedGen CN230736.

Allele frequency attached by ClinVar (database versions not stated): gnomAD 0.00002.
gnomAD v4.1: 3 of 1,612,396 alleles (0.00019%); highest among the groups gnomAD compares: Non-Finnish European, 0.00025%; no homozygotes.

Submissions (2):

Ambry Genetics
Classification: Uncertain significance for Cardiovascular phenotype; Hereditary cancer-predisposing syndrome. Last evaluated: 2023-10-12. Review status: criteria provided, single submitter. Criteria: Ambry Variant Classification Scheme 2023. Collection method: clinical testing. Allele origin: germline.
Comment: The p.S467N variant (also known as c.1400G>A), located in coding exon 13 of the LZTR1 gene, results from a G to A substitution at nucleotide position 1400. The serine at codon 467 is replaced by asparagine, an amino acid with highly similar properties. This amino acid position is conserved. In addition, the in silico prediction for this alteration is inconclusive. Since supporting evidence is limited at this time, the clinical significance of this alteration remains unclear.

Labcorp Genetics (formerly Invitae), Labcorp
Classification: Uncertain significance. Last evaluated: 2023-09-01. Review status: criteria provided, single submitter. Criteria: Invitae Variant Classification Sherloc (09022015). Collection method: clinical testing. Allele origin: germline.
Comment: This variant has not been reported in the literature in individuals affected with LZTR1-related conditions. In summary, the available evidence is currently insufficient to determine the role of this variant in disease. Therefore, it has been classified as a Variant of Uncertain Significance. Advanced modeling of protein sequence and biophysical properties (such as structural, functional, and spatial information, amino acid conservation, physicochemical variation, residue mobility, and thermodynamic stability) performed at Invitae indicates that this missense variant is not expected to disrupt LZTR1 protein function. This variant is present in population databases (no rsID available, gnomAD 0.03%). This sequence change replaces serine, which is neutral and polar, with asparagine, which is neutral and polar, at codon 467 of the LZTR1 protein (p.Ser467Asn).

NM_006767.4(LZTR1):c.1400G>A (p.Ser467Asn)

Gene: LZTR1 (leucine zipper like post translational regulator 1; plus strand). Cytogenetic location: 22q11.21.
Variant type: single nucleotide variant.
Coding change: c.1400G>A on transcript NM_006767.4 (MANE Select); coding-DNA position 1400, G replaced by A.
Protein change: p.Ser467Asn; replaces serine 467 with asparagine.
Molecular consequence: missense variant.
Genome position (GRCh38, 1-based): chr22:20,993,970, G>A. VCF-style: chr22-20993970-G-A. GRCh37 (hg19) VCF-style: chr22-21348259-G-A.
Other names: c.1400G>A (NM_006767.3); short protein forms S467N.
Identifiers: ClinVar variation 3009054 (VCV003009054.4), dbSNP rs1464199103, ClinGen allele CA410775169.
Genomic context (GRCh38, chr22:20,993,970, plus strand): 5'-CATTCTTTGTGCAGAAGGAGGAGTGCGTGCAGGGCCACGTAGCCATTGTCACAGCGCGGA[G>A]CCGCTGGCTTCGCAGGAAGATCACGCAGGCGCGGGAGAGGCTGGCCCAGGTGAGGTGCCT-3'
Protein context (NP_006758.2, residues 457-477): QGHVAIVTAR[Ser467Asn]RWLRRKITQA